The following is an entry in ClinVar:

NM_001267052.2(UNC45B):c.1625C>T (p.Ala542Val)

Gene: UNC45B (unc-45 myosin chaperone B; plus strand). Cytogenetic location: 17q12.
Variant type: single nucleotide variant.
Coding change: c.1625C>T on transcript NM_001267052.2 (MANE Select); coding-DNA position 1625, C replaced by T.
Protein change: p.Ala542Val; replaces alanine 542 with valine.
Molecular consequence: missense variant. On other transcripts: intron variant (1).
Genome position (GRCh38, 1-based): chr17:35,170,191, C>T. VCF-style: chr17-35170191-C-T. GRCh37 (hg19) VCF-style: chr17-33497210-C-T.
Other names: c.1625C>T, p.Ala542Val (NM_001033576.2, NM_173167.3); c.1453-1131C>T (NM_001308281.1); short protein forms A542V.
Identifiers: ClinVar variation 2883604 (VCV002883604.3), dbSNP rs2092173691, ClinGen allele CA399092762.

ClinVar aggregate classification (germline): Uncertain significance (1 of 4 stars; one submission).

Allele frequency attached by ClinVar (database versions not stated): gnomAD 0.00001; gnomAD exomes 0.00001; TOPMed 0.00001.
gnomAD v4.1: 14 of 1,613,828 alleles (0.00087%); highest among the groups gnomAD compares: Non-Finnish European, 0.0012%; no homozygotes.

Submission:

Labcorp Genetics (formerly Invitae), Labcorp
Classification: Uncertain significance. Last evaluated: 2023-08-27. Review status: criteria provided, single submitter. Criteria: Invitae Variant Classification Sherloc (09022015). Collection method: clinical testing. Allele origin: germline.
Comment: This variant has not been reported in the literature in individuals affected with UNC45B-related conditions. In summary, the available evidence is currently insufficient to determine the role of this variant in disease. Therefore, it has been classified as a Variant of Uncertain Significance. Advanced modeling of protein sequence and biophysical properties (such as structural, functional, and spatial information, amino acid conservation, physicochemical variation, residue mobility, and thermodynamic stability) performed at Invitae indicates that this missense variant is expected to disrupt UNC45B protein function. This variant is not present in population databases (gnomAD no frequency). This sequence change replaces alanine, which is neutral and non-polar, with valine, which is neutral and non-polar, at codon 542 of the UNC45B protein (p.Ala542Val).